The following is an entry in ClinVar:

NM_006361.6(HOXB13):c.6G>C (p.Glu2Asp)

Gene: HOXB13 (homeobox B13; minus strand). Cytogenetic location: 17q21.32.
Variant type: single nucleotide variant.
Coding change: c.6G>C on transcript NM_006361.6 (MANE Select); coding-DNA position 6, G replaced by C.
Protein change: p.Glu2Asp; replaces glutamic acid 2 with aspartic acid.
Molecular consequence: missense variant.
Genome position (GRCh38, 1-based): chr17:48,728,588, C>G on the plus strand (G>C on the coding strand, the complement: HOXB13 is on the minus strand). VCF-style: chr17-48728588-C-G. GRCh37 (hg19) VCF-style: chr17-46805950-C-G.
Other names: c.6G>C (NM_006361.5); short protein forms E2D.
Identifiers: ClinVar variation 1485664 (VCV001485664.8), dbSNP rs371544984, ClinGen allele CA400110017.

ClinVar aggregate classification (germline): Uncertain significance. Review status: criteria provided, multiple submitters, no conflicts (2 of 4 stars). 3 submissions from 3 submitters: Uncertain significance (3). Last evaluated 2025-12-17.

Conditions:
Hereditary cancer-predisposing syndrome. Also called: Neoplastic Syndromes, Hereditary; Tumor predisposition; Hereditary Cancer Syndrome; Hereditary neoplastic syndrome. Identifiers: Orphanet 140162, MedGen C0027672, MeSH D009386, MONDO:0015356.

Submissions (3):

Ambry Genetics
Classification: Uncertain significance for Hereditary cancer-predisposing syndrome. Last evaluated: 2025-12-17. Review status: criteria provided, single submitter. Criteria: Ambry Variant Classification Scheme 2023. Collection method: clinical testing. Allele origin: germline.
Comment: The p.E2D variant (also known as c.6G>C), located in coding exon 1 of the HOXB13 gene, results from a G to C substitution at nucleotide position 6. The glutamic acid at codon 2 is replaced by aspartic acid, an amino acid with highly similar properties. This amino acid position is highly conserved in available vertebrate species. In addition, the in silico prediction for this alteration is inconclusive. Based on the available evidence, the clinical significance of this variant remains unclear.

Quest Diagnostics Nichols Institute San Juan Capistrano
Classification: Uncertain significance. Last evaluated: 2025-07-16. Review status: criteria provided, single submitter. Criteria: Quest Diagnostics criteria. Collection method: clinical testing. Allele origin: unknown.
Comment: The HOXB13 c.6G>C (p.Glu2Asp) variant has not been reported in individuals with HOXB13-related conditions in the published literature. It also has not been reported in large, multi-ethnic general populations (Genome Aggregation Database). Analysis of this variant using bioinformatics tools for the prediction of the effect of amino acid changes on protein structure and function yielded predictions that this variant is benign. Based on the available information, we are unable to determine the clinical significance of this variant.

Labcorp Genetics (formerly Invitae), Labcorp
Classification: Uncertain significance. Last evaluated: 2024-03-26. Review status: criteria provided, single submitter. Criteria: Invitae Variant Classification Sherloc (09022015). Collection method: clinical testing. Allele origin: germline.
Comment: This sequence change replaces glutamic acid, which is acidic and polar, with aspartic acid, which is acidic and polar, at codon 2 of the HOXB13 protein (p.Glu2Asp). This variant is not present in population databases (gnomAD no frequency). This variant has not been reported in the literature in individuals affected with HOXB13-related conditions. ClinVar contains an entry for this variant (Variation ID: 1485664). An algorithm developed to predict the effect of missense changes on protein structure and function (PolyPhen-2) suggests that this variant is likely to be tolerated. In summary, the available evidence is currently insufficient to determine the role of this variant in disease. Therefore, it has been classified as a Variant of Uncertain Significance.